The following is an entry in ClinVar:

ClinVar aggregate classification (germline): Benign/Likely benign. Review status: criteria provided, multiple submitters, no conflicts (2 of 4 stars). 6 submissions from 6 submitters: Benign (1); Likely benign (5). Last evaluated 2026-02-02.

Conditions:
Tumor predisposition syndrome 3 (TPDS3). Also called: Melanoma, cutaneous malignant, susceptibility to, 10; Glioma susceptibility 9; LONG TELOMERE SYNDROME, POT1-RELATED; POT1 Tumor Predisposition. Identifiers: Orphanet 618, MedGen C4014476, MONDO:0014368, OMIM 615848.
Pulmonary fibrosis and/or bone marrow failure syndrome, telomere-related, 8 (PFBMFT8). Identifiers: MedGen C5830496, MONDO:0957263, OMIM 620367.
Cerebroretinal microangiopathy with calcifications and cysts 3 (CRMCC3). Identifiers: MedGen C5830497, MONDO:0957264, OMIM 620368.
POT1-related disorder. Also called: POT1-related condition.
Hereditary cancer-predisposing syndrome. Also called: Neoplastic Syndromes, Hereditary; Hereditary Cancer Syndrome; Tumor predisposition; Hereditary neoplastic syndrome. Identifiers: Orphanet 140162, MedGen C0027672, MeSH D009386, MONDO:0015356.

Allele frequency attached by ClinVar (database versions not stated): ExAC 0.00008; TOPMed 0.00008; gnomAD 0.00010; 1000 Genomes Project 30x 0.00047; 1000 Genomes Project 0.00060.
gnomAD v4.1: 48 of 1,609,710 alleles (0.003%); highest among the groups gnomAD compares: East Asian, 0.087%; no homozygotes.

Submissions (6):

Labcorp Genetics (formerly Invitae), Labcorp
Classification: Likely benign for Tumor predisposition syndrome 3. Last evaluated: 2026-02-02. Review status: criteria provided, single submitter. Criteria: Invitae Variant Classification Sherloc (09022015). Collection method: clinical testing. Allele origin: germline.

PreventionGenetics, part of Exact Sciences
Classification: Likely benign for POT1-related condition. Last evaluated: 2026-01-22. Review status: criteria provided, single submitter. Criteria: ACMG Guidelines, 2015. Collection method: clinical testing. Allele origin: germline.
Comment: This variant is classified as likely benign based on ACMG/AMP sequence variant interpretation guidelines (Richards et al. 2015 PMID: 25741868, with internal and published modifications).

Department of Pathology and Laboratory Medicine, Sinai Health System
Classification: Likely benign for Tumor predisposition syndrome 3; Pulmonary fibrosis and/or bone marrow failure syndrome, telomere-related, 8; Cerebroretinal microangiopathy with calcifications and cysts 3. Last evaluated: 2024-09-19. Review status: criteria provided, single submitter. Criteria: ACMG Guidelines, 2015. Collection method: clinical testing. Allele origin: germline.

Blueprint Genetics
Classification: Likely benign. Last evaluated: 2024-04-05. Review status: criteria provided, single submitter. Criteria: ACMG Guidelines, 2015. Collection method: clinical testing. Allele origin: germline.

Quest Diagnostics Nichols Institute San Juan Capistrano
Classification: Benign. Last evaluated: 2021-08-25. Review status: criteria provided, single submitter. Criteria: Quest Diagnostics criteria. Collection method: clinical testing. Allele origin: unknown.

Ambry Genetics
Classification: Likely benign for Hereditary cancer-predisposing syndrome. Last evaluated: 2017-07-20. Review status: criteria provided, single submitter. Criteria: Ambry Variant Classification Scheme 2023. Collection method: clinical testing. Allele origin: germline.

NM_015450.3(POT1):c.1338G>A (p.Pro446=)

Gene: POT1 (protection of telomeres 1; minus strand). Cytogenetic location: 7q31.33.
Variant type: single nucleotide variant.
Coding change: c.1338G>A on transcript NM_015450.3 (MANE Select); coding-DNA position 1338, G replaced by A.
Protein change: p.Pro446=; no amino-acid change (proline 446 retained).
Molecular consequence: synonymous variant. On other transcripts: non-coding transcript variant (3).
Genome position (GRCh38, 1-based): chr7:124,841,004, C>T on the plus strand (G>A on the coding strand, the complement: POT1 is on the minus strand). VCF-style: chr7-124841004-C-T. GRCh37 (hg19) VCF-style: chr7-124481058-C-T.
Other names: c.945G>A, p.Pro315= (NM_001042594.2).
Identifiers: ClinVar variation 475037 (VCV000475037.20), dbSNP rs185651210, ClinGen allele CA4465162.